The following is an entry in ClinVar:

NM_000282.4(PCCA):c.1828A>T (p.Thr610Ser)

Gene: PCCA (propionyl-CoA carboxylase subunit alpha; plus strand). Cytogenetic location: 13q32.3.
Variant type: single nucleotide variant.
Coding change: c.1828A>T on transcript NM_000282.4 (MANE Select); coding-DNA position 1828, A replaced by T.
Protein change: p.Thr610Ser; replaces threonine 610 with serine.
Molecular consequence: missense variant. On other transcripts: non-coding transcript variant (5).
Genome position (GRCh38, 1-based): chr13:100,425,714, A>T. VCF-style: chr13-100425714-A-T. GRCh37 (hg19) VCF-style: chr13-101077968-A-T.
Other names: c.1750A>T, p.Thr584Ser (NM_001127692.3, NM_001352607.2); c.1828A>T, p.Thr610Ser (NM_001178004.2, NM_001352605.2, NM_001352609.2); c.1684A>T, p.Thr562Ser (NM_001352606.2); c.1606A>T, p.Thr536Ser (NM_001352608.2); c.883A>T, p.Thr295Ser (NM_001352610.2, NM_001352611.2); c.739A>T, p.Thr247Ser (NM_001352612.2); short protein forms T295S, T536S, T584S, T610S, T247S, T562S.
Identifiers: ClinVar variation 1391964 (VCV001391964.3), dbSNP rs749767976, ClinGen allele CA388696895.

ClinVar aggregate classification (germline): Uncertain significance (1 of 4 stars; one submission).

Conditions:
Propionic acidemia (PROP). Also called: GLYCINEMIA, KETOTIC; HYPERGLYCINEMIA WITH KETOACIDOSIS AND LEUKOPENIA; KETOTIC HYPERGLYCINEMIA. Identifiers: Orphanet 35, MedGen C0268579, MONDO:0011628, OMIM 606054, HP:0003571.

Allele frequency attached by ClinVar (database versions not stated): gnomAD 0.00001.
gnomAD v4.1: 1 of 1,612,126 alleles (0.000062%); highest among the groups gnomAD compares: African/African-American, 0.0013%; no homozygotes.

Submission:

Labcorp Genetics (formerly Invitae), Labcorp
Classification: Uncertain significance for Propionic acidemia. Last evaluated: 2021-10-12. Review status: criteria provided, single submitter. Criteria: Invitae Variant Classification Sherloc (09022015). Collection method: clinical testing. Allele origin: germline.
Comment: This sequence change replaces threonine with serine at codon 610 of the PCCA protein (p.Thr610Ser). The threonine residue is moderately conserved and there is a small physicochemical difference between threonine and serine. This variant is not present in population databases (ExAC no frequency). This variant has not been reported in the literature in individuals affected with PCCA-related conditions. Advanced modeling of protein sequence and biophysical properties (such as structural, functional, and spatial information, amino acid conservation, physicochemical variation, residue mobility, and thermodynamic stability) performed at Invitae indicates that this missense variant is not expected to disrupt PCCA protein function. In summary, the available evidence is currently insufficient to determine the role of this variant in disease. Therefore, it has been classified as a Variant of Uncertain Significance.